The following is an entry in ClinVar:

ClinVar aggregate classification (germline): Conflicting classifications of pathogenicity. Review status: criteria provided, conflicting classifications (1 of 4 stars). 5 submissions from 5 submitters: Uncertain significance (1); Likely benign (2). 2 of the submissions do not count toward it. Last evaluated 2026-01-17.

Conditions:
MKS1-related disorder. Also called: MKS1-related condition; MKS1-related disorders. Identifiers: MedGen CN239382.
Meckel-Gruber syndrome. Also called: DYSENCEPHALIA SPLANCHNOCYSTICA; GRUBER SYNDROME; Dysencephalia splachnocystica. Identifiers: Orphanet 564, MedGen C0265215, MONDO:0018921.
Joubert syndrome. Also called: JOUBERT-BOLTSHAUSER SYNDROME; Familial aplasia of the vermis. Identifiers: Orphanet 475, MedGen C5979921, MONDO:0018772.
Meckel syndrome, type 1 (MKS1). Also called: MECKEL-GRUBER SYNDROME, TYPE 1. Identifiers: Orphanet 564, MedGen C3714506, MONDO:0009571, OMIM 249000.

Allele frequency attached by ClinVar (database versions not stated): TOPMed 0.00004; gnomAD 0.00019.
gnomAD v4.1: 66 of 1,613,474 alleles (0.0041%); highest among the groups gnomAD compares: East Asian, 0.056%; no homozygotes.

Submissions (5):

Labcorp Genetics (formerly Invitae), Labcorp
Classification: Likely benign for Joubert syndrome; Meckel-Gruber syndrome. Last evaluated: 2026-01-17. Review status: criteria provided, single submitter. Criteria: Invitae Variant Classification Sherloc (09022015). Collection method: clinical testing. Allele origin: germline.

Blueprint Genetics
Classification: Likely benign. Last evaluated: 2024-10-29. Review status: criteria provided, single submitter. Criteria: ACMG Guidelines, 2015. Collection method: clinical testing. Allele origin: germline.

Eurofins Ntd Llc (ga)
Classification: Uncertain significance. Last evaluated: 2016-03-25. Review status: criteria provided, single submitter. Criteria: EGL Classification Definitions 2015. Collection method: clinical testing. Allele origin: germline. Observed: 1 variant allele, 1 heterozygote.

Natera, Inc.
Classification: Uncertain significance for Meckel syndrome type 1. Last evaluated: 2020-01-17. Review status: no assertion criteria provided. Collection method: clinical testing. Allele origin: germline. Not counted in ClinVar's aggregate classification.

PreventionGenetics, part of Exact Sciences
Classification: Likely benign for MKS1-related condition. Last evaluated: 2020-01-06. Review status: no assertion criteria provided. Collection method: clinical testing. Allele origin: germline. Not counted in ClinVar's aggregate classification.
Comment: This variant is classified as likely benign based on ACMG/AMP sequence variant interpretation guidelines (Richards et al. 2015 PMID: 25741868, with internal and published modifications).

NM_017777.4(MKS1):c.1176G>A (p.Pro392=)

Gene: MKS1 (MKS transition zone complex subunit 1; minus strand). Cytogenetic location: 17q22.
Variant type: single nucleotide variant.
Coding change: c.1176G>A on transcript NM_017777.4 (MANE Select); coding-DNA position 1176, G replaced by A.
Protein change: p.Pro392=; no amino-acid change (proline 392 retained).
Molecular consequence: synonymous variant.
Genome position (GRCh38, 1-based): chr17:58,207,991, C>T on the plus strand (G>A on the coding strand, the complement: MKS1 is on the minus strand). VCF-style: chr17-58207991-C-T. GRCh37 (hg19) VCF-style: chr17-56285352-C-T.
Other names: c.567G>A, p.Pro189= (NM_001321268.2); c.1176G>A, p.Pro392= (NM_001321269.2, NM_001330397.2).
Identifiers: ClinVar variation 287203 (VCV000287203.20), dbSNP rs775169308, ClinGen allele CA8669234.
Genomic context (GRCh38, chr17:58,207,991, plus strand): 5'-CACACGGTACCTCTGCCAGAAGTCCAGCGAGAGGACCTCACAGTAGAGCACAGGCCACTC[C>T]GGGAGTGCATCTGGGAGCAAGGAGAGAAGCGGCCAGGTCACAGGCGGCCTTCACCAAGAG-3'
Protein context (NP_060247.2, residues 382-402): LHEDESSDAL[Pro392=]EWPVLYCEVL